The following is an entry in ClinVar:

NM_001276270.2(MBD4):c.1351T>C (p.Trp451Arg)

Gene: MBD4 (methyl-CpG binding domain 4, DNA glycosylase; minus strand). Cytogenetic location: 3q21.3.
Variant type: single nucleotide variant.
Coding change: c.1351T>C on transcript NM_001276270.2 (MANE Select); coding-DNA position 1351, T replaced by C.
Protein change: p.Trp451Arg; replaces tryptophan 451 with arginine.
Molecular consequence: missense variant.
Genome position (GRCh38, 1-based): chr3:129,433,892, A>G on the plus strand (T>C on the coding strand, the complement: MBD4 is on the minus strand). VCF-style: chr3-129433892-A-G. GRCh37 (hg19) VCF-style: chr3-129152735-A-G.
Other names: c.1369T>C, p.Trp457Arg (NM_001276272.2, NM_003925.3, NM_001276271.2); c.415T>C, p.Trp139Arg (NM_001276273.2); short protein forms W139R, W451R, W457R.
Identifiers: ClinVar variation 3640683 (VCV003640683.2).
Genomic context (GRCh38, chr3:129,433,892, plus strand): 5'-TGATAATAATCCCCAAACCTGAGGTCCGATTGAGAAATATAGTAGCGATGAGAAGCTTCC[A>G]TGGATCATGAAAAAGTGTTTCTTGAACGAGATTAAAAGGTGACCGAGGAGGTGTCCATTT-3'
Protein context (NP_001263199.1, residues 441-461): LVQETLFHDP[Trp451Arg]KLLIATIFLN

ClinVar aggregate classification (germline): Uncertain significance (1 of 4 stars; one submission).

Submission:

Labcorp Genetics (formerly Invitae), Labcorp
Classification: Uncertain significance. Last evaluated: 2025-12-28. Review status: criteria provided, single submitter. Criteria: Invitae Variant Classification Sherloc (09022015). Collection method: clinical testing. Allele origin: germline.
Comment: This sequence change replaces tryptophan, which is neutral and slightly polar, with arginine, which is basic and polar, at codon 457 of the MBD4 protein (p.Trp457Arg). This variant is present in population databases (no rsID available, gnomAD 0.0009%). This variant has not been reported in the literature in individuals affected with MBD4-related conditions. ClinVar contains an entry for this variant (Variation ID: 3640683). An algorithm developed to predict the effect of missense changes on protein structure and function (PolyPhen-2) suggests that this variant is likely to be disruptive. In summary, the available evidence is currently insufficient to determine the role of this variant in disease. Therefore, it has been classified as a Variant of Uncertain Significance.